The following is an entry in ClinVar:

NM_174936.4(PCSK9):c.580C>T (p.Arg194Trp)

Gene: PCSK9 (proprotein convertase subtilisin/kexin type 9; plus strand). Cytogenetic location: 1p32.3.
Variant type: single nucleotide variant.
Coding change: c.580C>T on transcript NM_174936.4 (MANE Select); coding-DNA position 580, C replaced by T.
Protein change: p.Arg194Trp; replaces arginine 194 with tryptophan.
Molecular consequence: missense variant.
Genome position (GRCh38, 1-based): chr1:55,052,334, C>T. VCF-style: chr1-55052334-C-T. GRCh37 (hg19) VCF-style: chr1-55518007-C-T.
Other names: c.703C>T, p.Arg235Trp (NM_001407240.1); c.580C>T, p.Arg194Trp (NM_001407241.1, NM_001407242.1, NM_001407244.1 and 1 more transcripts); c.523C>T, p.Arg175Trp (NM_001407243.1); c.388C>T, p.Arg130Trp (NM_001407245.1); c.205C>T, p.Arg69Trp (NM_001407246.1); short protein forms R194W, R175W, R69W, R130W, R235W.
Identifiers: ClinVar variation 918180 (VCV000918180.13), dbSNP rs200027662, ClinGen allele CA043310.

ClinVar aggregate classification (germline): Uncertain significance. Review status: criteria provided, multiple submitters, no conflicts (2 of 4 stars). 6 submissions from 6 submitters: Uncertain significance (6). Last evaluated 2025-01-26.

Conditions:
Cardiovascular phenotype. Identifiers: MedGen CN230736.
Familial hypercholesterolemia. Also called: Familial hypercholesterolemias; Familial hypercholesterolaemia. Identifiers: MedGen C0020445, MONDO:0005439.
Hypercholesterolemia, autosomal dominant, 3 (FHCL3). Also called: Familial hypercholesterolemia 3; Familial Hypercholesterolemia, Autosomal Dominant, 3; PCSK9-Related Familial Hypercholesterolemia, Autosomal Dominant. Identifiers: MedGen C1863551, MONDO:0011369, OMIM 603776.

Allele frequency attached by ClinVar (database versions not stated): ExAC 0.00002; TOPMed 0.00002.
gnomAD v4.1: 13 of 1,614,036 alleles (0.00081%); highest among the groups gnomAD compares: African/African-American, 0.0053%; no homozygotes.

Submissions (6):

Ambry Genetics
Classification: Uncertain significance for Cardiovascular phenotype. Last evaluated: 2025-01-26. Review status: criteria provided, single submitter. Criteria: Ambry Variant Classification Scheme 2023. Collection method: clinical testing. Allele origin: germline.

Women's Health and Genetics/Laboratory Corporation of America, LabCorp
Classification: Uncertain significance. Last evaluated: 2024-12-26. Review status: criteria provided, single submitter. Criteria: LabCorp Variant Classification Summary - May 2015. Collection method: clinical testing. Allele origin: germline.
Comment: Variant summary: PCSK9 c.580C>T (p.Arg194Trp) results in a non-conservative amino acid change in the encoded protein sequence. Five of five in-silico tools predict a damaging effect of the variant on protein function. The variant allele was found at a frequency of 1.2e-05 in 251316 control chromosomes. The available data on variant occurrences in the general population are insufficient to allow any conclusion about variant significance. To our knowledge, no occurrence of c.580C>T in individuals affected with Familial Hypercholesterolemia and no experimental evidence demonstrating its impact on protein function have been reported. ClinVar contains an entry for this variant (Variation ID: 918180). Based on the evidence outlined above, the variant was classified as uncertain significance.

All of Us Research Program, National Institutes of Health
Classification: Uncertain significance for Hypercholesterolemia, autosomal dominant, 3. Last evaluated: 2024-02-05. Review status: criteria provided, single submitter. Criteria: ACMG Guidelines, 2015. Collection method: clinical testing. Allele origin: germline. Inheritance: Autosomal dominant inheritance. Observed: 4 variant alleles, 4 heterozygotes.
Comment: This missense variant replaces arginine with tryptophan at codon 194 of the PCSK9 protein. Computational prediction is inconclusive regarding the impact of this variant on protein structure and function (internally defined REVEL score threshold 0.5 < inconclusive < 0.7, PMID: 27666373). Splice site prediction tools suggest that this variant may not impact RNA splicing. To our knowledge, functional studies have not been performed for this variant. This variant has not been reported in individuals affected with familial hypercholesterolemia in the literature. This variant has been identified in 4/282706 chromosomes in the general population by the Genome Aggregation Database (gnomAD). The available evidence is insufficient to determine the role of this variant in disease conclusively. Therefore, this variant is classified as a Variant of Uncertain Significance.

This study involves interpretation of variants in research participants for the purpose of population health screening. Participant phenotype was not available at the time of variant classification. Additional details can be found in publication PMID: 35346344, PMCID: PMC8962531

Labcorp Genetics (formerly Invitae), Labcorp
Classification: Uncertain significance for Hypercholesterolemia, autosomal dominant, 3. Last evaluated: 2023-07-25. Review status: criteria provided, single submitter. Criteria: Invitae Variant Classification Sherloc (09022015). Collection method: clinical testing. Allele origin: germline.
Comment: In summary, the available evidence is currently insufficient to determine the role of this variant in disease. Therefore, it has been classified as a Variant of Uncertain Significance. Advanced modeling of protein sequence and biophysical properties (such as structural, functional, and spatial information, amino acid conservation, physicochemical variation, residue mobility, and thermodynamic stability) performed at Invitae indicates that this missense variant is expected to disrupt PCSK9 protein function. ClinVar contains an entry for this variant (Variation ID: 918180). This variant has not been reported in the literature in individuals affected with PCSK9-related conditions. This variant is present in population databases (rs200027662, gnomAD 0.008%). This sequence change replaces arginine, which is basic and polar, with tryptophan, which is neutral and slightly polar, at codon 194 of the PCSK9 protein (p.Arg194Trp).

Color Diagnostics, LLC DBA Color Health
Classification: Uncertain significance for Familial hypercholesterolemia. Last evaluated: 2023-06-28. Review status: criteria provided, single submitter. Criteria: ACMG Guidelines, 2015. Collection method: clinical testing. Allele origin: germline.
Comment: This missense variant replaces arginine with tryptophan at codon 194 of the PCSK9 protein. Computational prediction is inconclusive regarding the impact of this variant on protein structure and function (internally defined REVEL score threshold 0.5 < inconclusive < 0.7, PMID: 27666373). To our knowledge, functional studies have not been reported for this variant. This variant has not been reported in individuals affected with familial hypercholesterolemia in the literature. This variant has been identified in 4/282706 chromosomes in the general population by the Genome Aggregation Database (gnomAD). The available evidence is insufficient to determine the role of this variant in disease conclusively. Therefore, this variant is classified as a Variant of Uncertain Significance.

Mendelics
Classification: Uncertain significance. Last evaluated: 2022-05-04. Review status: criteria provided, single submitter. Criteria: Mendelics Assertion Criteria 2019. Collection method: clinical testing. Allele origin: germline.